The following is an entry in ClinVar:

ClinVar aggregate classification (germline): Benign/Likely benign. Review status: criteria provided, multiple submitters, no conflicts (2 of 4 stars). 5 submissions from 5 submitters: Benign (1); Likely benign (4). Last evaluated 2025-12-13.

Conditions:
Colorectal cancer, susceptibility to, 12 (CRCS12). Also called: COLORECTAL CANCER, SUSCEPTIBILITY TO, ON CHROMOSOME 12q24. Identifiers: Orphanet 220460, MedGen C3554460, MONDO:0014038, OMIM 615083.
Hereditary cancer-predisposing syndrome. Also called: Neoplastic Syndromes, Hereditary; Tumor predisposition; Hereditary Cancer Syndrome; Hereditary neoplastic syndrome. Identifiers: Orphanet 140162, MedGen C0027672, MeSH D009386, MONDO:0015356.

Allele frequency attached by ClinVar (database versions not stated): ExAC 0.00001; gnomAD exomes 0.00001.
gnomAD v4.1: 26 of 1,614,018 alleles (0.0016%); highest among the groups gnomAD compares: Non-Finnish European, 0.0021%; no homozygotes.

Submissions (5):

Labcorp Genetics (formerly Invitae), Labcorp
Classification: Likely benign. Last evaluated: 2025-12-13. Review status: criteria provided, single submitter. Criteria: Invitae Variant Classification Sherloc (09022015). Collection method: clinical testing. Allele origin: germline.

Center for Genomic Medicine, Rigshospitalet, Copenhagen University Hospital
Classification: Likely benign. Last evaluated: 2025-03-04. Review status: criteria provided, single submitter. Criteria: ACMG Guidelines, 2015. Collection method: clinical testing. Allele origin: germline.
Comment: Classification criteria: BP4, BP7

Myriad Genetics, Inc.
Classification: Benign for Colorectal cancer, susceptibility to, 12. Last evaluated: 2025-02-10. Review status: criteria provided, single submitter. Criteria: Myriad Autosomal Dominant, Autosomal Recessive and X-Linked Classification Criteria (2023). Collection method: clinical testing. Allele origin: unknown.
Comment: This variant is considered benign. This variant is a silent/synonymous amino acid change and it is not expected to impact splicing.

Quest Diagnostics Nichols Institute San Juan Capistrano
Classification: Likely benign. Last evaluated: 2020-11-10. Review status: criteria provided, single submitter. Criteria: Quest Diagnostics criteria. Collection method: clinical testing. Allele origin: unknown.

Ambry Genetics
Classification: Likely benign for Hereditary cancer-predisposing syndrome. Last evaluated: 2017-04-18. Review status: criteria provided, single submitter. Criteria: Ambry Variant Classification Scheme 2023. Collection method: clinical testing. Allele origin: germline.

NM_006231.4(POLE):c.1224C>A (p.Leu408=)

Gene: POLE (DNA polymerase epsilon, catalytic subunit; minus strand). Cytogenetic location: 12q24.33.
Variant type: single nucleotide variant.
Coding change: c.1224C>A on transcript NM_006231.4 (MANE Select); coding-DNA position 1224, C replaced by A.
Protein change: p.Leu408=; no amino-acid change (leucine 408 retained).
Molecular consequence: synonymous variant.
Genome position (GRCh38, 1-based): chr12:132,675,400, G>T on the plus strand (C>A on the coding strand, the complement: POLE is on the minus strand). VCF-style: chr12-132675400-G-T. GRCh37 (hg19) VCF-style: chr12-133251986-G-T.
Identifiers: ClinVar variation 473443 (VCV000473443.16), dbSNP rs748536025, ClinGen allele CA6894046.
Genomic context (GRCh38, chr12:132,675,400, plus strand): 5'-GCCTTCAGATCTCGCTCACGGACAGCAGTGAGGAGCCATGCTGCTCTGTGGCCCCTACCT[G>T]AGGCAGTCCATGTGGATGCACTGGGGCGCCTTGTACTCCCCCTGGCTGTCCTTCTGGAAG-3'
Protein context (NP_006222.2, residues 398-418): KAPQCIHMDC[Leu408=]RWVKRDSYLP